The following is an entry in ClinVar:

ClinVar aggregate classification (germline): Benign/Likely benign. Review status: criteria provided, multiple submitters, no conflicts (2 of 4 stars). 5 submissions from 4 submitters: Benign (4); Likely benign (1). Last evaluated 2026-01-28.

Conditions:
Acroosteolysis-keloid-like lesions-premature aging syndrome. Also called: Premature aging syndrome, Penttinen type; Prematurely aged appearance, delayed bone maturation, acro-osteolysis, and brachydactyly; Progeroid syndrome, Penttinen type. Identifiers: Orphanet 363665, MedGen C1866182, MONDO:0011150, OMIM 601812.
Skeletal overgrowth-craniofacial dysmorphism-hyperelastic skin-white matter lesions syndrome. Also called: SKELETAL OVERGROWTH WITH FACIAL DYSMORPHISM, HYPERELASTIC SKIN, WHITE MATTER LESIONS, AND NEUROLOGIC DETERIORATION; Kosaki overgrowth syndrome. Identifiers: Orphanet 477831, MedGen C4225270, MONDO:0014704, OMIM 616592.
Basal ganglia calcification, idiopathic, 4 (PFBC4). Also called: Familial Idiopathic Basal Ganglia Calcification 4; PRIMARY FAMILIAL BRAIN CALCIFICATION 4, AUTOSOMAL DOMINANT. Identifiers: Orphanet 1980, MedGen C3554321, MONDO:0014004, OMIM 615007.
Infantile myofibromatosis (IMF). Also called: Congenital generalized fibromatosis. Identifiers: Orphanet 2591, MedGen C0432284, MONDO:0016824.
Myofibromatosis, infantile, 1. Also called: Myofibromatosis, juvenile. Identifiers: Orphanet 2591, MedGen C4551572, MONDO:0009227, OMIM 228550.
Myeloproliferative disorder, chronic, with eosinophilia. Also called: EOSINOPHILS, MALIGNANT PROLIFERATION OF; Malignant eosinophil proliferation. Identifiers: MedGen C1851585, MONDO:0007546, OMIM 131440, HP:0006782.

Allele frequency attached by ClinVar (database versions not stated): ExAC 0.00185; 1000 Genomes Project 30x 0.00921; 1000 Genomes Project 0.00799; gnomAD exomes 0.00156; gnomAD 0.00523; ESP Exome Variant Server 0.00561; TOPMed 0.00638.
gnomAD v4.1: 1,610 of 1,610,362 alleles (0.1%); highest among the groups gnomAD compares: African/African-American, 1.9%; 21 homozygotes.

Submissions (5):

Labcorp Genetics (formerly Invitae), Labcorp
Classification: Benign for Basal ganglia calcification, idiopathic, 4; Skeletal overgrowth-craniofacial dysmorphism-hyperelastic skin-white matter lesions syndrome; Infantile myofibromatosis; Acroosteolysis-keloid-like lesions-premature aging syndrome. Last evaluated: 2026-01-28. Review status: criteria provided, single submitter. Criteria: Invitae Variant Classification Sherloc (09022015). Collection method: clinical testing. Allele origin: germline.

GeneDx
Classification: Likely benign. Last evaluated: 2025-02-04. Review status: criteria provided, single submitter. Criteria: GeneDx Variant Classification Process June 2021. Collection method: clinical testing. Allele origin: germline. Affected: yes.
Comment: See Variant Classification Assertion Criteria.

KCCC/NGS Laboratory, Kuwait Cancer Control Center
Classification: Benign for Myofibromatosis, infantile, 1. Last evaluated: 2025-02-01. Review status: criteria provided, single submitter. Criteria: ACMG Guidelines, 2015. Collection method: clinical testing. Allele origin: germline. Affected: no.

Mayo Clinic Laboratories, Mayo Clinic
Classification: Benign. Last evaluated: 2024-11-04. Review status: criteria provided, single submitter. Criteria: ACMG Guidelines, 2015. Collection method: clinical testing. Allele origin: germline. Observed: 1 variant allele.
Comment: BS1, BS2, BP4

KCCC/NGS Laboratory, Kuwait Cancer Control Center
Classification: Benign for Myeloproliferative disorder, chronic, with eosinophilia. Last evaluated: 2023-07-07. Review status: criteria provided, single submitter. Criteria: ACMG Guidelines, 2015. Collection method: clinical testing. Allele origin: germline. Affected: yes.

NM_002609.4(PDGFRB):c.3119G>T (p.Gly1040Val)

Gene: PDGFRB (platelet derived growth factor receptor beta; minus strand). Cytogenetic location: 5q32.
Variant type: single nucleotide variant.
Coding change: c.3119G>T on transcript NM_002609.4 (MANE Select); coding-DNA position 3119, G replaced by T.
Protein change: p.Gly1040Val; replaces glycine 1040 with valine.
Molecular consequence: missense variant.
Genome position (GRCh38, 1-based): chr5:150,117,636, C>A on the plus strand (G>T on the coding strand, the complement: PDGFRB is on the minus strand). VCF-style: chr5-150117636-C-A. GRCh37 (hg19) VCF-style: chr5-149497199-C-A.
Other names: p.Gly1040Val; c.2927G>T, p.Gly976Val (NM_001355016.2); c.2636G>T, p.Gly879Val (NM_001355017.2); short protein forms G1040V, G879V, G976V.
Identifiers: ClinVar variation 473406 (VCV000473406.20), dbSNP rs149417689, ClinGen allele CA3507432.